The following is an entry in ClinVar:

ClinVar aggregate classification (germline): Pathogenic. Review status: criteria provided, multiple submitters, no conflicts (2 of 4 stars). 3 submissions from 3 submitters: Pathogenic (3). Last evaluated 2024-08-16.

Conditions:
Hereditary cancer-predisposing syndrome. Also called: Neoplastic Syndromes, Hereditary; Tumor predisposition; Hereditary neoplastic syndrome; Hereditary Cancer Syndrome. Identifiers: Orphanet 140162, MedGen C0027672, MeSH D009386, MONDO:0015356.
Classic or attenuated familial adenomatous polyposis. Identifiers: MedGen CN372698, MONDO:0021057.
Familial adenomatous polyposis 1 (FAP1). Also called: POLYPOSIS, ADENOMATOUS INTESTINAL; FAMILIAL ADENOMATOUS POLYPOSIS 1, ATTENUATED. Identifiers: MedGen C2713442, MONDO:0021056, OMIM 175100. Disease mechanism: loss of function.

Submissions (3):

Department of Pathology and Laboratory Medicine, Sinai Health System
Classification: Pathogenic for classic or attenuated familial adenomatous polyposis. Last evaluated: 2024-08-16. Review status: criteria provided, single submitter. Criteria: ACMG Guidelines, 2015. Collection method: clinical testing. Allele origin: germline.

Labcorp Genetics (formerly Invitae), Labcorp
Classification: Pathogenic for Familial adenomatous polyposis 1. Last evaluated: 2022-04-01. Review status: criteria provided, single submitter. Criteria: Invitae Variant Classification Sherloc (09022015). Collection method: clinical testing. Allele origin: germline.
Comment: This premature translational stop signal has been observed in individual(s) with familial adenomatous polyposis (PMID: 10470088). This sequence change creates a premature translational stop signal (p.Gln247*) in the APC gene. It is expected to result in an absent or disrupted protein product. Loss-of-function variants in APC are known to be pathogenic (PMID: 17963004, 20685668). This variant is not present in population databases (gnomAD no frequency). ClinVar contains an entry for this variant (Variation ID: 827018). For these reasons, this variant has been classified as Pathogenic.

Ambry Genetics
Classification: Pathogenic for Hereditary cancer-predisposing syndrome. Last evaluated: 2018-05-02. Review status: criteria provided, single submitter. Criteria: Ambry Variant Classification Scheme 2023. Collection method: clinical testing. Allele origin: germline.
Comment: The p.Q247* pathogenic mutation (also known as c.739C>T), located in coding exon 7 of the APC gene, results from a C to T substitution at nucleotide position 739. This changes the amino acid from a glutamine to a stop codon within coding exon 7. This mutation has been reported in a Finnish familial adenomatous polyposis kindred (Moisio AL et al. Gut, 2002 Jun;50:845-50), as well as a cohort of familial adenomatous polyposis patients with germline APC mutations (Lamlum H et al. Nat. Med., 1999 Sep;5:1071-5). In addition to the clinical data presented in the literature, this alteration is expected to result in loss of function by premature protein truncation or nonsense-mediated mRNA decay. As such, this alteration is interpreted as a disease-causing mutation.

Literature cited by the submitters: PubMed 12010888 (cited by Department of Pathology and Laboratory Medicine, Sinai Health System and Ambry Genetics); PubMed 10470088 (cited by 3 submitters); PubMed 17963004 (cited by Labcorp Genetics (formerly Invitae), Labcorp); PubMed 20685668 (cited by Labcorp Genetics (formerly Invitae), Labcorp); PubMed 25525159 (cited by Ambry Genetics).

NM_000038.6(APC):c.739C>T (p.Gln247Ter)

Gene: APC (APC regulator of Wnt signaling pathway; plus strand). Cytogenetic location: 5q22.2.
Variant type: single nucleotide variant.
Coding change: c.739C>T on transcript NM_000038.6 (MANE Select); coding-DNA position 739, C replaced by T.
Protein change: p.Gln247Ter; replaces glutamine 247 with a stop codon.
Molecular consequence: nonsense. On other transcripts: 5 prime UTR variant (1).
Genome position (GRCh38, 1-based): chr5:112,801,288, C>T. VCF-style: chr5-112801288-C-T. GRCh37 (hg19) VCF-style: chr5-112136985-C-T.
Other names: c.739C>T, p.Gln247Ter (NM_001127510.3, NM_001354895.2, NM_001354896.2 and 1 more transcripts); c.685C>T, p.Gln229Ter (NM_001127511.3); c.769C>T, p.Gln257Ter (NM_001354897.2, NM_001354902.2); c.664C>T, p.Gln222Ter (NM_001354898.2, NM_001354904.2); c.655C>T, p.Gln219Ter (NM_001354899.2); c.562C>T, p.Gln188Ter (NM_001354900.2, NM_001354901.2, NM_001354905.2); c.-297C>T (NM_001354906.2); short protein forms Q188*, Q222*, Q257*, Q219*, Q229*, Q247*.
Identifiers: ClinVar variation 827018 (VCV000827018.10), dbSNP rs1580454483, ClinGen allele CA16022946.